The following is an entry in ClinVar:

NM_000051.4(ATM):c.149A>T (p.Lys50Ile)

Gene: ATM (ATM serine/threonine kinase; plus strand). Cytogenetic location: 11q22.3.
Variant type: single nucleotide variant.
Coding change: c.149A>T on transcript NM_000051.4 (MANE Select); coding-DNA position 149, A replaced by T.
Protein change: p.Lys50Ile; replaces lysine 50 with isoleucine.
Molecular consequence: missense variant.
Genome position (GRCh38, 1-based): chr11:108,227,852, A>T. VCF-style: chr11-108227852-A-T. GRCh37 (hg19) VCF-style: chr11-108098579-A-T.
Other names: c.149A>T, p.Lys50Ile (NM_001351834.2, NM_001351835.2, NM_001351836.2); short protein forms K50I.
Identifiers: ClinVar variation 3634285 (VCV003634285.2).

ClinVar aggregate classification (germline): Uncertain significance (1 of 4 stars; one submission).

Conditions:
Ataxia-telangiectasia syndrome (AT). Also called: ATAXIA-TELANGIECTASIA, COMPLEMENTATION GROUP A; ATAXIA-TELANGIECTASIA, FRESNO VARIANT; LOUIS-BAR SYNDROME; Cerebello-oculocutaneous telangiectasia; Immunodeficiency with ataxia telangiectasia; Ataxia-telangiectasia, complementation group E. Identifiers: Orphanet 100, MedGen C0004135, MONDO:0008840, OMIM 208900.

Submission:

Labcorp Genetics (formerly Invitae), Labcorp
Classification: Uncertain significance for Ataxia-telangiectasia syndrome. Last evaluated: 2024-11-04. Review status: criteria provided, single submitter. Criteria: Invitae Variant Classification Sherloc (09022015). Collection method: clinical testing. Allele origin: germline.
Comment: This sequence change replaces lysine, which is basic and polar, with isoleucine, which is neutral and non-polar, at codon 50 of the ATM protein (p.Lys50Ile). This variant is not present in population databases (gnomAD no frequency). This variant has not been reported in the literature in individuals affected with ATM-related conditions. Invitae Evidence Modeling of protein sequence and biophysical properties (such as structural, functional, and spatial information, amino acid conservation, physicochemical variation, residue mobility, and thermodynamic stability) indicates that this missense variant is not expected to disrupt ATM protein function with a negative predictive value of 95%. In summary, the available evidence is currently insufficient to determine the role of this variant in disease. Therefore, it has been classified as a Variant of Uncertain Significance.